The following is an entry in ClinVar:

NM_002439.5(MSH3):c.1921A>C (p.Ile641Leu)

Gene: MSH3 (mutS homolog 3; plus strand). Cytogenetic location: 5q14.1.
Variant type: single nucleotide variant.
Coding change: c.1921A>C on transcript NM_002439.5 (MANE Select); coding-DNA position 1921, A replaced by C.
Protein change: p.Ile641Leu; replaces isoleucine 641 with leucine.
Molecular consequence: missense variant.
Genome position (GRCh38, 1-based): chr5:80,767,957, A>C. VCF-style: chr5-80767957-A-C. GRCh37 (hg19) VCF-style: chr5-80063776-A-C.
Other names: short protein forms I641L.
Identifiers: ClinVar variation 1958922 (VCV001958922.5), dbSNP rs2546773556, ClinGen allele CA360277481.

ClinVar aggregate classification (germline): Uncertain significance (1 of 4 stars; one submission).

Submission:

Labcorp Genetics (formerly Invitae), Labcorp
Classification: Uncertain significance. Last evaluated: 2024-11-07. Review status: criteria provided, single submitter. Criteria: Invitae Variant Classification Sherloc (09022015). Collection method: clinical testing. Allele origin: germline.
Comment: This sequence change replaces isoleucine, which is neutral and non-polar, with leucine, which is neutral and non-polar, at codon 641 of the MSH3 protein (p.Ile641Leu). This variant is not present in population databases (gnomAD no frequency). This variant has not been reported in the literature in individuals affected with MSH3-related conditions. ClinVar contains an entry for this variant (Variation ID: 1958922). An algorithm developed to predict the effect of missense changes on protein structure and function (PolyPhen-2) suggests that this variant is likely to be tolerated. In summary, the available evidence is currently insufficient to determine the role of this variant in disease. Therefore, it has been classified as a Variant of Uncertain Significance.